The following is an entry in ClinVar:

ClinVar aggregate classification (germline): Pathogenic (1 of 4 stars; one submission).

Conditions:
Kabuki syndrome 2 (KABUK2). Also called: KDM6A-Related Kabuki Syndrome. Identifiers: Orphanet 2322, MedGen C3275495, MONDO:0010465, OMIM 300867.

Submission:

Institute of Human Genetics, Heidelberg University
Classification: Pathogenic for Kabuki syndrome 2. Last evaluated: 2026-04-15. Review status: criteria provided, single submitter. Criteria: ACMG Guidelines, 2015. Collection method: clinical testing. Allele origin: de novo. Affected: yes. Observed: 1 variant allele.
Comment: PVS1, PM2_supp, PS2_supp

NM_001291415.2(KDM6A):c.963G>A (p.Trp321Ter)

Gene: KDM6A (lysine demethylase 6A; plus strand). Cytogenetic location: Xp11.3.
Variant type: single nucleotide variant.
Coding change: c.963G>A on transcript NM_001291415.2 (MANE Select); coding-DNA position 963, G replaced by A.
Protein change: p.Trp321Ter; replaces tryptophan 321 with a stop codon.
Molecular consequence: nonsense. On other transcripts: non-coding transcript variant (1).
Genome position (GRCh38, 1-based): chrX:45,059,093, G>A. VCF-style: chrX-45059093-G-A. GRCh37 (hg19) VCF-style: chrX-44918338-G-A.
Other names: c.963G>A, p.Trp321Ter (NM_001419809.1, NM_001419810.1, NM_001419811.1 and 9 more transcripts); c.210G>A, p.Trp70Ter (NM_001291421.2); short protein forms W321*, W70*.
Identifiers: ClinVar variation 4850553 (VCV004850553.1).